The following is an entry in ClinVar:

ClinVar aggregate classification (germline): Uncertain significance. Review status: criteria provided, multiple submitters, no conflicts (2 of 4 stars). 2 submissions from 2 submitters: Uncertain significance (2). Last evaluated 2025-04-08.

Conditions:
Paget disease of bone 2, early-onset (PDB2). Also called: Paget disease of bone 2. Identifiers: MedGen C4085251, MONDO:0011183, OMIM 602080.
Frontotemporal dementia and/or amyotrophic lateral sclerosis 1 (FTDALS1). Also called: C9orf72 Frontotemporal Dementia and/or Amyotrophic Lateral Sclerosis; Frontotemporal dementia with motor neuron disease 1. Identifiers: Orphanet 275872, MedGen C5779877, MONDO:0007105, OMIM 105550.
Inborn genetic diseases. Identifiers: MedGen C0950123, MeSH D030342.

Allele frequency attached by ClinVar (database versions not stated): TOPMed 0.00003; gnomAD 0.00004.
gnomAD v4.1: 29 of 1,613,398 alleles (0.0018%); highest among the groups gnomAD compares: South Asian, 0.0077%; no homozygotes.

Submissions (2):

Labcorp Genetics (formerly Invitae), Labcorp
Classification: Uncertain significance for Paget disease of bone 2, early-onset; Frontotemporal dementia and/or amyotrophic lateral sclerosis 1. Last evaluated: 2025-04-08. Review status: criteria provided, single submitter. Criteria: Invitae Variant Classification Sherloc (09022015). Collection method: clinical testing. Allele origin: germline.
Comment: This sequence change replaces arginine, which is basic and polar, with histidine, which is basic and polar, at codon 217 of the SQSTM1 protein (p.Arg217His). This variant is present in population databases (rs761822261, gnomAD 0.01%). This variant has not been reported in the literature in individuals affected with SQSTM1-related conditions. ClinVar contains an entry for this variant (Variation ID: 644082). Invitae Evidence Modeling of protein sequence and biophysical properties (such as structural, functional, and spatial information, amino acid conservation, physicochemical variation, residue mobility, and thermodynamic stability) indicates that this missense variant is not expected to disrupt SQSTM1 protein function with a negative predictive value of 80%. In summary, the available evidence is currently insufficient to determine the role of this variant in disease. Therefore, it has been classified as a Variant of Uncertain Significance.

Ambry Genetics
Classification: Uncertain significance for Inborn genetic diseases. Last evaluated: 2021-12-23. Review status: criteria provided, single submitter. Criteria: Ambry Variant Classification Scheme 2023. Collection method: clinical testing. Allele origin: germline.

NM_003900.5(SQSTM1):c.650G>A (p.Arg217His)

Gene: SQSTM1 (sequestosome 1; plus strand). Cytogenetic location: 5q35.3.
Variant type: single nucleotide variant.
Coding change: c.650G>A on transcript NM_003900.5 (MANE Select); coding-DNA position 650, G replaced by A.
Protein change: p.Arg217His; replaces arginine 217 with histidine.
Molecular consequence: missense variant.
Genome position (GRCh38, 1-based): chr5:179,824,300, G>A. VCF-style: chr5-179824300-G-A. GRCh37 (hg19) VCF-style: chr5-179251300-G-A.
Other names: c.398G>A, p.Arg133His (NM_001142298.2, NM_001142299.2); short protein forms R133H, R217H.
Identifiers: ClinVar variation 644082 (VCV000644082.7), dbSNP rs761822261, ClinGen allele CA3600588.